The following is an entry in ClinVar:

NM_001371928.1(AHDC1):c.1792C>T (p.Gln598Ter)

Gene: AHDC1 (AT-hook DNA binding motif containing 1; minus strand). Cytogenetic location: 1p36.11.
Variant type: single nucleotide variant.
Coding change: c.1792C>T on transcript NM_001371928.1 (MANE Select); coding-DNA position 1792, C replaced by T.
Protein change: p.Gln598Ter; replaces glutamine 598 with a stop codon.
Molecular consequence: nonsense.
Genome position (GRCh38, 1-based): chr1:27,550,324, G>A on the plus strand (C>T on the coding strand, the complement: AHDC1 is on the minus strand). VCF-style: chr1-27550324-G-A. GRCh37 (hg19) VCF-style: chr1-27876835-G-A.
Other names: c.1792C>T, p.Gln598Ter (NM_001029882.3); short protein forms Q598*.
Identifiers: ClinVar variation 1382853 (VCV001382853.6), dbSNP rs2148283610, ClinGen allele CA339233346.
Genomic context (GRCh38, chr1:27,550,324, plus strand): 5'-TGGCCAGGACGTCTGAGTACTCGGCCTTGCTGTCGTTGGCGTCTGCTGCATAGGATGGCT[G>A]GGGAGATGCCAGCTTCTGCTTCCGCCGCCGTCGTTTTTTTACCTCTGGCATGGCCATGGT-3'

ClinVar aggregate classification (germline): Pathogenic (1 of 4 stars; one submission).

Submission:

Labcorp Genetics (formerly Invitae), Labcorp
Classification: Pathogenic. Last evaluated: 2021-05-20. Review status: criteria provided, single submitter. Criteria: Invitae Variant Classification Sherloc (09022015). Collection method: clinical testing. Allele origin: germline.
Comment: For these reasons, this variant has been classified as Pathogenic. This variant has not been reported in the literature in individuals with AHDC1-related conditions. This variant is not present in population databases (ExAC no frequency). This sequence change creates a premature translational stop signal (p.Gln598*) in the AHDC1 gene. It is expected to result in an absent or disrupted protein product. Loss-of-function variants in AHDC1 are known to be pathogenic (PMID: 24791903, 27148574).

Literature cited by the submitters: PubMed 24791903; PubMed 27148574.